The following is an entry in ClinVar:

ClinVar aggregate classification (germline): Pathogenic (1 of 4 stars; one submission).

Conditions:
Hereditary breast ovarian cancer syndrome. Also called: Hereditary breast and ovarian cancer syndrome; Hereditary breast and/or ovarian cancer syndrome; BRCA1- and BRCA2-Associated Hereditary Breast and Ovarian Cancer; Hereditary breast and ovarian cancer syndrome (HBOC); Hereditary breast and ovarian cancer; Breast and ovarian cancer. Identifiers: Orphanet 145, MedGen C0677776, MeSH D061325, MONDO:0003582. Disease mechanism: loss of function.

Submission:

Labcorp Genetics (formerly Invitae), Labcorp
Classification: Pathogenic for Hereditary breast ovarian cancer syndrome. Last evaluated: 2024-02-18. Review status: criteria provided, single submitter. Criteria: Invitae Variant Classification Sherloc (09022015). Collection method: clinical testing. Allele origin: germline.
Comment: This sequence change creates a premature translational stop signal (p.Lys2359Asnfs*8) in the BRCA2 gene. It is expected to result in an absent or disrupted protein product. Loss-of-function variants in BRCA2 are known to be pathogenic (PMID: 20104584). This variant is not present in population databases (gnomAD no frequency). This variant has not been reported in the literature in individuals affected with BRCA2-related conditions. For these reasons, this variant has been classified as Pathogenic.

Literature cited by the submitters: PubMed 20104584.

NM_000059.4(BRCA2):c.7077del (p.Lys2359fs)

Gene: BRCA2 (BRCA2 DNA repair associated; plus strand). Cytogenetic location: 13q13.1.
Variant type: Deletion.
Coding change: c.7077del on transcript NM_000059.4 (MANE Select); coding-DNA position 7077, one base deleted (A; older notation c.7077delA).
Protein change: p.Lys2359fs; shifts the reading frame from lysine 2359.
Molecular consequence: frameshift variant. On other transcripts: non-coding transcript variant (1).
Genome position (GRCh38, 1-based): chr13:32,354,930, A deleted; the last of 3 consecutive A bases (chr13:32,354,928-32,354,930); deleting any one gives the same sequence. VCF-style (leftmost placement, unchanged base first): chr13-32354927-TA-T. GRCh37 (hg19) VCF-style: chr13-32929064-TA-T.
Other names: c.6981del, p.Lys2327fs (NM_001406719.1); c.7077del, p.Lys2359fs (NM_001406720.1); c.2145del, p.Lys715fs (NM_001406721.1); c.660del, p.Lys220fs (NM_001406722.1); short protein forms K2359fs, K220fs, K2327fs, K715fs.
Identifiers: ClinVar variation 2863025 (VCV002863025.3), dbSNP rs2548540064, ClinGen allele CA2739277506.